The following is an entry in ClinVar:

ClinVar aggregate classification (germline): Conflicting classifications of pathogenicity. Review status: criteria provided, conflicting classifications (1 of 4 stars). 3 submissions from 3 submitters: Uncertain significance (2); Likely benign (1). Last evaluated 2024-04-10.

Conditions:
Hereditary cancer-predisposing syndrome. Also called: Tumor predisposition; Neoplastic Syndromes, Hereditary; Hereditary Cancer Syndrome; Hereditary neoplastic syndrome. Identifiers: Orphanet 140162, MedGen C0027672, MeSH D009386, MONDO:0015356.
Hereditary breast ovarian cancer syndrome. Also called: Breast and ovarian cancer; Hereditary breast and/or ovarian cancer syndrome; BRCA1- and BRCA2-Associated Hereditary Breast and Ovarian Cancer; Hereditary breast and ovarian cancer syndrome; Hereditary breast and ovarian cancer; Hereditary breast and ovarian cancer syndrome (HBOC). Identifiers: Orphanet 145, MedGen C0677776, MeSH D061325, MONDO:0003582. Disease mechanism: loss of function.

Allele frequency attached by ClinVar (database versions not stated): gnomAD exomes below 0.00001; ExAC 0.00001.
gnomAD v4.1: 1 of 1,613,828 alleles (0.000062%); highest among the groups gnomAD compares: South Asian, 0.0011%; no homozygotes.

Submissions (3):

Labcorp Genetics (formerly Invitae), Labcorp
Classification: Uncertain significance for Hereditary breast ovarian cancer syndrome. Last evaluated: 2024-04-10. Review status: criteria provided, single submitter. Criteria: Invitae Variant Classification Sherloc (09022015). Collection method: clinical testing. Allele origin: germline.
Comment: This sequence change replaces serine, which is neutral and polar, with arginine, which is basic and polar, at codon 1024 of the BRCA1 protein (p.Ser1024Arg). This variant is not present in population databases (gnomAD no frequency). This missense change has been observed in individual(s) with breast cancer (PMID: 18835712). ClinVar contains an entry for this variant (Variation ID: 1727270). Advanced modeling of protein sequence and biophysical properties (such as structural, functional, and spatial information, amino acid conservation, physicochemical variation, residue mobility, and thermodynamic stability) performed at Invitae indicates that this missense variant is not expected to disrupt BRCA1 protein function with a negative predictive value of 95%. In summary, the available evidence is currently insufficient to determine the role of this variant in disease. Therefore, it has been classified as a Variant of Uncertain Significance.

University of Washington Department of Laboratory Medicine, University of Washington
Classification: Likely benign for Hereditary cancer-predisposing syndrome. Last evaluated: 2023-03-23. Review status: criteria provided, single submitter. Criteria: Dines et al. (Genet Med. 2020). Collection method: curation. Allele origin: germline.
Comment: Missense variant in a coldspot region where missense variants are very unlikely to be pathogenic (PMID:31911673).

BRCA1 coldspot (exon 11 using historical exon numbering). Reclassification based on statistical prior probability

Ambry Genetics
Classification: Uncertain significance for Hereditary cancer-predisposing syndrome. Last evaluated: 2017-11-28. Review status: criteria provided, single submitter. Criteria: Ambry Variant Classification Scheme 2023. Collection method: clinical testing. Allele origin: germline.
Comment: The p.S1024R variant (also known as c.3072C>A), located in coding exon 9 of the BRCA1 gene, results from a C to A substitution at nucleotide position 3072. The serine at codon 1024 is replaced by arginine, an amino acid with dissimilar properties. This amino acid position is not well conserved in available vertebrate species. In addition, the in silico prediction for this alteration is inconclusive. Since supporting evidence is limited at this time, the clinical significance of this alteration remains unclear.

Literature cited by the submitters: PubMed 18835712 (cited by Labcorp Genetics (formerly Invitae), Labcorp).

NM_007294.4(BRCA1):c.3072C>A (p.Ser1024Arg)

Gene: BRCA1 (BRCA1 DNA repair associated; minus strand). Cytogenetic location: 17q21.31.
Variant type: single nucleotide variant.
Coding change: c.3072C>A on transcript NM_007294.4 (MANE Select); coding-DNA position 3072, C replaced by A.
Protein change: p.Ser1024Arg; replaces serine 1024 with arginine.
Molecular consequence: missense variant. On other transcripts: intron variant (137).
Genome position (GRCh38, 1-based): chr17:43,092,459, G>T on the plus strand (C>A on the coding strand, the complement: BRCA1 is on the minus strand). VCF-style: chr17-43092459-G-T. GRCh37 (hg19) VCF-style: chr17-41244476-G-T.
Other names: c.2949C>A, p.Ser983Arg (NM_001407666.1, NM_001407667.1, NM_001407668.1 and 19 more transcripts); c.2946C>A, p.Ser982Arg (NM_001407670.1, NM_001407671.1, NM_001407672.1 and 11 more transcripts); c.3072C>A, p.Ser1024Arg (NM_001407684.1, NM_001407854.1, NM_001407858.1 and 30 more transcripts); c.2931C>A, p.Ser977Arg (NM_001407692.1, NM_001407694.1, NM_001407695.1 and 29 more transcripts); c.2928C>A, p.Ser976Arg (NM_001407740.1, NM_001407741.1, NM_001407742.1 and 20 more transcripts); c.2859C>A, p.Ser953Arg (NM_001407853.1, NM_001407894.1, NM_001407895.1 and 9 more transcripts); c.3069C>A, p.Ser1023Arg (NM_001407860.1, NM_001407861.1, NM_001407587.1 and 22 more transcripts); c.2871C>A, p.Ser957Arg (NM_001407862.1); and 41 more; short protein forms S1021R, S1023R, S912R, S936R, S956R, S957R, S935R, S983R.
Identifiers: ClinVar variation 1727270 (VCV001727270.9), dbSNP rs397509033, ClinGen allele CA058135.